The following is an entry in ClinVar:

ClinVar aggregate classification (germline): Uncertain significance (1 of 4 stars; one submission).

Submission:

Labcorp Genetics (formerly Invitae), Labcorp
Classification: Uncertain significance. Last evaluated: 2023-05-25. Review status: criteria provided, single submitter. Criteria: Invitae Variant Classification Sherloc (09022015). Collection method: clinical testing. Allele origin: germline.
Comment: In summary, the available evidence is currently insufficient to determine the role of this variant in disease. Therefore, it has been classified as a Variant of Uncertain Significance. Algorithms developed to predict the effect of missense changes on protein structure and function output the following: SIFT: "Not Available"; PolyPhen-2: "Benign"; Align-GVGD: "Not Available". The glycine amino acid residue is found in multiple mammalian species, which suggests that this missense change does not adversely affect protein function. This variant has not been reported in the literature in individuals affected with KMT2A-related conditions. This variant is not present in population databases (gnomAD no frequency). This sequence change replaces serine, which is neutral and polar, with glycine, which is neutral and non-polar, at codon 452 of the KMT2A protein (p.Ser452Gly).

NM_001197104.2(KMT2A):c.1354A>G (p.Ser452Gly)

Gene: KMT2A (lysine methyltransferase 2A; plus strand). Cytogenetic location: 11q23.3.
Variant type: single nucleotide variant.
Coding change: c.1354A>G on transcript NM_001197104.2 (MANE Select); coding-DNA position 1354, A replaced by G.
Protein change: p.Ser452Gly; replaces serine 452 with glycine.
Molecular consequence: missense variant.
Genome position (GRCh38, 1-based): chr11:118,472,513, A>G. VCF-style: chr11-118472513-A-G. GRCh37 (hg19) VCF-style: chr11-118343228-A-G.
Other names: c.1453A>G, p.Ser485Gly (NM_001412597.1); c.1354A>G, p.Ser452Gly (NM_005933.4); short protein forms S452G, S485G.
Identifiers: ClinVar variation 2722782 (VCV002722782.3), dbSNP rs2134261433, ClinGen allele CA382809933.